The following is an entry in ClinVar:

NM_004304.5(ALK):c.1400A>C (p.Glu467Ala)

Gene: ALK (ALK receptor tyrosine kinase; minus strand). Cytogenetic location: 2p23.2.
Variant type: single nucleotide variant.
Coding change: c.1400A>C on transcript NM_004304.5 (MANE Select); coding-DNA position 1400, A replaced by C.
Protein change: p.Glu467Ala; replaces glutamic acid 467 with alanine.
Molecular consequence: missense variant.
Genome position (GRCh38, 1-based): chr2:29,328,364, T>G on the plus strand (A>C on the coding strand, the complement: ALK is on the minus strand). VCF-style: chr2-29328364-T-G. GRCh37 (hg19) VCF-style: chr2-29551230-T-G.
Other names: c.1400A>C (NM_004304.4); short protein forms E467A.
Identifiers: ClinVar variation 4722415 (VCV004722415.2).

ClinVar aggregate classification (germline): Uncertain significance. Review status: criteria provided, multiple submitters, no conflicts (2 of 4 stars). 2 submissions from 2 submitters: Uncertain significance (2). Last evaluated 2026-04-02.

Conditions:
Neuroblastoma, susceptibility to, 3. Also called: ALK-Related Neuroblastic Tumor Susceptibility. Identifiers: Orphanet 635, MedGen C2751681, MONDO:0013083, OMIM 613014.
Hereditary cancer-predisposing syndrome. Also called: Neoplastic Syndromes, Hereditary; Tumor predisposition; Hereditary Cancer Syndrome; Hereditary neoplastic syndrome. Identifiers: Orphanet 140162, MedGen C0027672, MeSH D009386, MONDO:0015356.

Submissions (2):

Ambry Genetics
Classification: Uncertain significance for Hereditary cancer-predisposing syndrome. Last evaluated: 2026-04-02. Review status: criteria provided, single submitter. Criteria: Ambry Variant Classification Scheme 2023. Collection method: clinical testing. Allele origin: germline.
Comment: The p.E467A variant (also known as c.1400A>C), located in coding exon 6 of the ALK gene, results from an A to C substitution at nucleotide position 1400. The glutamic acid at codon 467 is replaced by alanine, an amino acid with dissimilar properties. This amino acid position is conserved. In addition, this alteration is predicted to be deleterious by in silico analysis. Based on the available evidence, the clinical significance of this variant remains unclear.

Labcorp Genetics (formerly Invitae), Labcorp
Classification: Uncertain significance for Neuroblastoma, susceptibility to, 3. Last evaluated: 2025-06-30. Review status: criteria provided, single submitter. Criteria: Invitae Variant Classification Sherloc (09022015). Collection method: clinical testing. Allele origin: germline.
Comment: This sequence change replaces glutamic acid, which is acidic and polar, with alanine, which is neutral and non-polar, at codon 467 of the ALK protein (p.Glu467Ala). This variant is not present in population databases (gnomAD no frequency). This variant has not been reported in the literature in individuals affected with ALK-related conditions. An algorithm developed to predict the effect of missense changes on protein structure and function (PolyPhen-2) suggests that this variant is likely to be disruptive. In summary, the available evidence is currently insufficient to determine the role of this variant in disease. Therefore, it has been classified as a Variant of Uncertain Significance.